The following is an entry in ClinVar:

NM_000815.5(GABRD):c.692-10G>A

Gene: GABRD (gamma-aminobutyric acid type A receptor subunit delta; plus strand). Cytogenetic location: 1p36.33.
Variant type: single nucleotide variant.
Coding change: c.692-10G>A on transcript NM_000815.5 (MANE Select); 10 bases into the intron before coding-DNA position 692, G replaced by A.
Molecular consequence: intron variant.
Genome position (GRCh38, 1-based): chr1:2,029,101, G>A. VCF-style: chr1-2029101-G-A. GRCh37 (hg19) VCF-style: chr1-1960540-G-A.
Identifiers: ClinVar variation 1320810 (VCV001320810.2), dbSNP rs1230819081, ClinGen allele CA730229000.
Genomic context (GRCh38, chr1:2,029,101, plus strand): 5'-CAGCCCCTGAGTCCCATGGTTGGGCTGGGCTGGGCAGGGATGGGGGCACTGACGGTGGCT[G>A]TCCTGGCAGCTGGCCAGTTCCCACGGCTCAGCCTGCACTTCCACCTGCGGAGGAACCGCG-3'

ClinVar aggregate classification (germline): Uncertain significance (1 of 4 stars; one submission).

Allele frequency attached by ClinVar (database versions not stated): TOPMed below 0.00001; gnomAD 0.00001.
gnomAD v4.1: 2 of 1,539,744 alleles (0.00013%); highest among the groups gnomAD compares: East Asian, 0.0024%; no homozygotes.

Submission:

GeneDx
Classification: Uncertain significance. Last evaluated: 2021-03-01. Review status: criteria provided, single submitter. Criteria: GeneDx Variant Classification Process June 2021. Collection method: clinical testing. Allele origin: germline. Affected: yes.
Comment: Has not been previously published as pathogenic or benign to our knowledge; In-silico analysis, which includes splice predictors and evolutionary conservation, is inconclusive as to whether the variant alters gene splicing. In the absence of RNA/functional studies, the actual effect of this sequence change is unknown.; Not observed in large population cohorts (Lek et al., 2016); Variants in candidate genes are classified as variants of uncertain significance in accordance with ACMG guidelines (Richards et al., 2015)